The following is an entry in ClinVar:

ClinVar aggregate classification (germline): Likely benign. Review status: criteria provided, multiple submitters, no conflicts (2 of 4 stars). 6 submissions from 5 submitters: Likely benign (6). Last evaluated 2026-01-22.

Conditions:
Glucocorticoid-remediable aldosteronism. Also called: FH I; GLUCOCORTICOID-SUPPRESSIBLE HYPERALDOSTERONISM; Hyperaldosteronism, familial, type I; ALDOSTERONISM, SENSITIVE TO DEXAMETHASONE; ACTH-DEPENDENT HYPERALDOSTERONISM SYNDROME. Identifiers: Orphanet 403, MedGen C3838731, MONDO:0007080, OMIM 103900.
Deficiency of steroid 11-beta-monooxygenase (CYP11B1). Also called: ADRENAL HYPERPLASIA IV; Congenital adrenal hyperplasia due to 11-beta-hydroxylase deficiency; ADRENAL HYPERPLASIA, CONGENITAL, DUE TO STEROID 11-BETA-HYDROXYLASE DEFICIENCY; P450C11B1 DEFICIENCY; STEROID 11-BETA-HYDROXYLASE DEFICIENCY; 11-BETA-HYDROXYLASE DEFICIENCY. Identifiers: Orphanet 90795, MedGen C0268292, MONDO:0008729, OMIM 202010. Disease mechanism: loss of function.

Allele frequency attached by ClinVar (database versions not stated): gnomAD 0.00029; 1000 Genomes Project 30x 0.00047; TOPMed 0.00049; 1000 Genomes Project 0.00060; ESP Exome Variant Server 0.00062.
gnomAD v4.1: 626 of 1,614,154 alleles (0.039%); highest among the groups gnomAD compares: Middle Eastern, 0.12%; no homozygotes.

Submissions (6):

Labcorp Genetics (formerly Invitae), Labcorp
Classification: Likely benign. Last evaluated: 2026-01-22. Review status: criteria provided, single submitter. Criteria: Invitae Variant Classification Sherloc (09022015). Collection method: clinical testing. Allele origin: germline.

Women's Health and Genetics/Laboratory Corporation of America, LabCorp
Classification: Likely benign. Last evaluated: 2025-09-24. Review status: criteria provided, single submitter. Criteria: LabCorp Variant Classification Summary - May 2015. Collection method: clinical testing. Allele origin: germline.

Blueprint Genetics
Classification: Likely benign. Last evaluated: 2024-11-19. Review status: criteria provided, single submitter. Criteria: ACMG Guidelines, 2015. Collection method: clinical testing. Allele origin: germline.

CeGaT Center for Human Genetics Tuebingen
Classification: Likely benign. Last evaluated: 2024-08-01. Review status: criteria provided, single submitter. Criteria: CeGaT Center For Human Genetics Tuebingen Variant Classification Criteria Version 2. Collection method: clinical testing. Allele origin: germline. Affected: yes. Observed: 1 variant allele.
Comment: CYP11B1: BP4, BP7

Illumina Laboratory Services, Illumina
Classification: Likely benign for Glucocorticoid-remediable aldosteronism. Last evaluated: 2017-04-27. Review status: criteria provided, single submitter. Criteria: ICSL Variant Classification Criteria 13 December 2019. Collection method: clinical testing. Allele origin: germline.
Comment: This variant was observed as part of a predisposition screen in an ostensibly healthy population. A literature search was performed for the gene, cDNA change, and amino acid change (where applicable). No publications were found based on this search. Allele frequency data from public databases allowed determination this variant is unlikely to cause disease. Therefore, this variant is classified as likely benign.

Illumina Laboratory Services, Illumina
Classification: Likely benign for Deficiency of steroid 11-beta-monooxygenase. Last evaluated: 2017-04-27. Review status: criteria provided, single submitter. Criteria: ICSL Variant Classification Criteria 13 December 2019. Collection method: clinical testing. Allele origin: germline.
Comment: the same text as in the submission from Illumina Laboratory Services, Illumina above.

NM_000497.4(CYP11B1):c.930A>G (p.Glu310=)

Genes: CYP11B1 (cytochrome P450 family 11 subfamily B member 1; minus strand), LOC106799833 (CYP11B1 recombination region; plus strand). Cytogenetic location: 8q24.3.
Variant type: single nucleotide variant.
Coding change: c.930A>G on transcript NM_000497.4 (MANE Select); coding-DNA position 930, A replaced by G.
Protein change: p.Glu310=; no amino-acid change (glutamic acid 310 retained).
Molecular consequence: synonymous variant.
Genome position (GRCh38, 1-based): chr8:142,876,265, T>C on the plus strand (A>G on the coding strand, the complement: CYP11B1 is on the minus strand). VCF-style: chr8-142876265-T-C. GRCh37 (hg19) VCF-style: chr8-143957681-T-C.
Other names: c.930A>G, p.Glu310= (NM_001026213.1).
Identifiers: ClinVar variation 362156 (VCV000362156.35), dbSNP rs148707144, ClinGen allele CA4905249.